The following is an entry in ClinVar:

ClinVar aggregate classification (germline): Uncertain significance (1 of 4 stars; one submission).

Conditions:
Hypertrophic cardiomyopathy 10. Also called: MYL2-Related Familial Hypertrophic Cardiomyopathy; CARDIOMYOPATHY, HYPERTROPHIC, MID-LEFT VENTRICULAR CHAMBER TYPE, 2. Identifiers: MedGen C1834460, MONDO:0012112, OMIM 608758.

Submission:

Labcorp Genetics (formerly Invitae), Labcorp
Classification: Uncertain significance for Hypertrophic cardiomyopathy 10. Last evaluated: 2025-08-05. Review status: criteria provided, single submitter. Criteria: Invitae Variant Classification Sherloc (09022015). Collection method: clinical testing. Allele origin: germline.
Comment: This sequence change replaces leucine, which is neutral and non-polar, with valine, which is neutral and non-polar, at codon 83 of the MYL2 protein (p.Leu83Val). This variant is not present in population databases (gnomAD no frequency). This variant has not been reported in the literature in individuals affected with MYL2-related conditions. ClinVar contains an entry for this variant (Variation ID: 852524). An algorithm developed to predict the effect of missense changes on protein structure and function (PolyPhen-2) suggests that this variant is likely to be disruptive. In summary, the available evidence is currently insufficient to determine the role of this variant in disease. Therefore, it has been classified as a Variant of Uncertain Significance.

NM_000432.4(MYL2):c.247C>G (p.Leu83Val)

Gene: MYL2 (myosin light chain 2; minus strand). Cytogenetic location: 12q24.11.
Variant type: single nucleotide variant.
Coding change: c.247C>G on transcript NM_000432.4 (MANE Select); coding-DNA position 247, C replaced by G.
Protein change: p.Leu83Val; replaces leucine 83 with valine.
Molecular consequence: missense variant.
Genome position (GRCh38, 1-based): chr12:110,914,213, G>C on the plus strand (C>G on the coding strand, the complement: MYL2 is on the minus strand). VCF-style: chr12-110914213-G-C. GRCh37 (hg19) VCF-style: chr12-111352017-G-C.
Other names: short protein forms L83V.
Identifiers: ClinVar variation 852524 (VCV000852524.10), dbSNP rs2071673990, ClinGen allele CA386698697.